The following is an entry in ClinVar:

ClinVar aggregate classification (germline): Uncertain significance (1 of 4 stars; one submission).

Allele frequency attached by ClinVar (database versions not stated): gnomAD 0.00001.

Submission:

Labcorp Genetics (formerly Invitae), Labcorp
Classification: Uncertain significance. Last evaluated: 2025-05-07. Review status: criteria provided, single submitter. Criteria: Invitae Variant Classification Sherloc (09022015). Collection method: clinical testing. Allele origin: germline.
Comment: This sequence change replaces proline, which is neutral and non-polar, with serine, which is neutral and polar, at codon 503 of the DVL1 protein (p.Pro503Ser). This variant is not present in population databases (gnomAD no frequency). This variant has not been reported in the literature in individuals affected with DVL1-related conditions. ClinVar contains an entry for this variant (Variation ID: 2416429). Invitae Evidence Modeling of protein sequence and biophysical properties (such as structural, functional, and spatial information, amino acid conservation, physicochemical variation, residue mobility, and thermodynamic stability) indicates that this missense variant is not expected to disrupt DVL1 protein function with a negative predictive value of 80%. In summary, the available evidence is currently insufficient to determine the role of this variant in disease. Therefore, it has been classified as a Variant of Uncertain Significance.

NM_001330311.2(DVL1):c.1582C>T (p.Pro528Ser)

Gene: DVL1 (dishevelled segment polarity protein 1; minus strand). Cytogenetic location: 1p36.33.
Variant type: single nucleotide variant.
Coding change: c.1582C>T on transcript NM_001330311.2 (MANE Select); coding-DNA position 1582, C replaced by T.
Protein change: p.Pro528Ser; replaces proline 528 with serine.
Molecular consequence: missense variant.
Genome position (GRCh38, 1-based): chr1:1,338,109, G>A on the plus strand (C>T on the coding strand, the complement: DVL1 is on the minus strand). VCF-style: chr1-1338109-G-A. GRCh37 (hg19) VCF-style: chr1-1273489-G-A.
Other names: c.1507C>T, p.Pro503Ser (NM_004421.3); short protein forms P503S, P528S.
Identifiers: ClinVar variation 2416429 (VCV002416429.6), dbSNP rs1033578505, ClinGen allele CA16752934.